The following is an entry in ClinVar:

NM_014946.4(SPAST):c.1099-1G>A

Gene: SPAST (spastin; plus strand). Cytogenetic location: 2p22.3.
Variant type: single nucleotide variant.
Coding change: c.1099-1G>A on transcript NM_014946.4 (MANE Select); the canonical splice acceptor site of the intron before coding-DNA position 1099, G replaced by A.
Molecular consequence: splice acceptor variant.
Genome position (GRCh38, 1-based): chr2:32,126,947, G>A. VCF-style: chr2-32126947-G-A. GRCh37 (hg19) VCF-style: chr2-32352016-G-A.
Other names: c.1003-1G>A (NM_199436.2, NM_001377959.1); c.1096-1G>A (NM_001363823.2); c.1000-1G>A (NM_001363875.2).
Identifiers: ClinVar variation 989105 (VCV000989105.16), dbSNP rs2148744884, ClinGen allele CA346501187.

ClinVar aggregate classification (germline): Pathogenic. Review status: criteria provided, multiple submitters, no conflicts (2 of 4 stars). 2 submissions from 2 submitters: Pathogenic (2). Last evaluated 2024-05-22.

Conditions:
Hereditary spastic paraplegia 4. Also called: Spastic paraplegia 4, autosomal dominant; Spastic Paraplegia 4; Familial spastic paraplegia autosomal dominant 2. Identifiers: Orphanet 100985, MedGen C1866855, MONDO:0008438, OMIM 182601.

Submissions (2):

Clinical Omics and Informatics (COIN) Unit, Neuroscience Institute, University Of Cape Town
Classification: Pathogenic for Hereditary spastic paraplegia 4. Last evaluated: 2024-05-22. Review status: criteria provided, single submitter. Criteria: ACMG Guidelines, 2015. Collection method: research. Allele origin: germline. Inheritance: Autosomal dominant inheritance. Affected: yes. Observed: 1 variant allele, 1 heterozygote.
Comment: PM2_supporting: this variant is absent from gnomAD v4.0 (adequate coverage >20X confirmed). PP3 not evaluated as PVS1 applied. PVS1 met: null variant (canonical +/- 1 or 2 splice site variant, predicted to cause exon skipping or use of a cryptic splice site which disrupts reading frame and is predicted to undergo NMD, exon is present in biologically-relevant transcript) in a gene where LOF is a known mechanism of disease (PMID: 26297558). PS4_supporting: variant identified in = 1 unrelated proband(s) with consistent phenotype for disorder (PMID: 29907907). PP1 not met: variant segregates with 1 informative meiosis in 1 family (PMID 29907907).

Paris Brain Institute, Inserm - ICM
Classification: Pathogenic for Hereditary spastic paraplegia 4. Review status: criteria provided, single submitter. Criteria: ACMG Guidelines, 2015. Collection method: clinical testing. Allele origin: unknown. Affected: yes. Observed: 1 variant allele.

Literature cited by the submitters: PubMed 37712079 (cited by Clinical Omics and Informatics (COIN) Unit, Neuroscience Institute, University Of Cape Town); PubMed 26297558 (cited by Clinical Omics and Informatics (COIN) Unit, Neuroscience Institute, University Of Cape Town); PubMed 29907907 (cited by Clinical Omics and Informatics (COIN) Unit, Neuroscience Institute, University Of Cape Town).